The following is an entry in ClinVar:

ClinVar aggregate classification (germline): Pathogenic (1 of 4 stars; one submission).

Conditions:
Hereditary cancer-predisposing syndrome. Also called: Neoplastic Syndromes, Hereditary; Tumor predisposition; Hereditary neoplastic syndrome; Hereditary Cancer Syndrome. Identifiers: Orphanet 140162, MedGen C0027672, MeSH D009386, MONDO:0015356.

Submission:

Ambry Genetics
Classification: Pathogenic for Hereditary cancer-predisposing syndrome. Last evaluated: 2024-03-05. Review status: criteria provided, single submitter. Criteria: Ambry Variant Classification Scheme 2023. Collection method: clinical testing. Allele origin: germline.
Comment: The c.2078delC pathogenic mutation, located in coding exon 13 of the SMARCA4 gene, results from a deletion of one nucleotide at nucleotide position 2078, causing a translational frameshift with a predicted alternate stop codon (p.P693Qfs*81). This variant is considered to be rare based on population cohorts in the Genome Aggregation Database (gnomAD). This alteration is expected to result in loss of function by premature protein truncation or nonsense-mediated mRNA decay. Loss-of-function variants in SMARCA4 are known to cause rhabdoid tumor predisposition syndrome including small cell carcinoma of the ovary-hypercalcemic type (SCCOHT); however, such associations with neurodevelopmental disorders are exceedingly rare (Kosho T et al. Am J Med Genet C Semin Med Genet. 2014 Sep;166C(3):262-75; Jelinic P et al. Nat Genet. 2014 May;46(5):424-6). Based on the supporting evidence, this alteration is pathogenic for rhabdoid tumor predisposition syndrome; however, the association of this alteration with Coffin-Siris syndrome is unlikely.

NM_003072.5(SMARCA4):c.2078del (p.Pro693fs)

Gene: SMARCA4 (SWI/SNF related BAF chromatin remodeling complex subunit ATPase 4; plus strand). Cytogenetic location: 19p13.2.
Variant type: Deletion.
Coding change: c.2078del on transcript NM_003072.5 (MANE Select); coding-DNA position 2078, one base deleted (C; older notation c.2078delC).
Protein change: p.Pro693fs; shifts the reading frame from proline 693.
Molecular consequence: frameshift variant. On other transcripts: non-coding transcript variant (1).
Genome position (GRCh38, 1-based): chr19:11,007,978, C deleted; the last of 2 consecutive C bases (chr19:11,007,977-11,007,978); deleting either gives the same sequence. VCF-style (leftmost placement, unchanged base first): chr19-11007976-TC-T. GRCh37 (hg19) VCF-style: chr19-11118652-TC-T.
Other names: c.2078del, p.Pro693fs (NM_001128844.3, NM_001128845.2, NM_001128846.2 and 6 more transcripts); short protein forms P693fs.
Identifiers: ClinVar variation 3233086 (VCV003233086.1), dbSNP rs2514565960, ClinGen allele CA2825002738.